The following is an entry in ClinVar:

NM_007294.4(BRCA1):c.3862del (p.Glu1288fs)

Genes: BRCA1 (BRCA1 DNA repair associated; minus strand), LOC126862571 (BRD4-independent group 4 enhancer GRCh37_chr17:41243136-41244335; plus strand). Cytogenetic location: 17q21.31.
Variant type: Deletion.
Coding change: c.3862del on transcript NM_007294.4 (MANE Select); coding-DNA position 3862, one base deleted (G; older notation c.3862delG).
Protein change: p.Glu1288fs; shifts the reading frame from glutamic acid 1288.
Molecular consequence: frameshift variant. On other transcripts: intron variant (135).
Genome position (GRCh38, 1-based): chr17:43,091,669, C deleted on the plus strand (G on the coding strand, the reverse complement: BRCA1 is on the minus strand); the first of 2 consecutive C bases (chr17:43,091,669-43,091,670); deleting either gives the same sequence. VCF-style (leftmost placement, unchanged base first): chr17-43091668-TC-T. GRCh37 (hg19) VCF-style: chr17-41243685-TC-T.
Other names: 3981delG; c.3598del, p.Glu1200fs (NM_001407920.1, NM_001407921.1, NM_001407922.1 and 9 more transcripts); c.3595del, p.Glu1199fs (NM_001407930.1, NM_001407931.1, NM_001407932.1 and 2 more transcripts); c.3739del, p.Glu1247fs (NM_001407937.1, NM_001407938.1, NM_001407939.1 and 19 more transcripts); c.3736del, p.Glu1246fs (NM_001407940.1, NM_001407941.1, NM_001407649.1 and 11 more transcripts); c.3721del, p.Glu1241fs (NM_001407942.1, NM_001407944.1, NM_001407945.1 and 29 more transcripts); c.3718del, p.Glu1240fs (NM_001407943.1, NM_001407964.1, NM_001407740.1 and 20 more transcripts); c.3529del, p.Glu1177fs (NM_001407946.1, NM_001407947.1, NM_001407948.1 and 6 more transcripts); and 43 more; short protein forms E1241fs, E1288fs, E1120fs, E1200fs, E1240fs, E1287fs, E420fs, E1160fs.
Identifiers: ClinVar variation 55031 (VCV000055031.3), dbSNP rs273900718, ClinGen allele CA002489.
Genomic context (GRCh38, chr17:43,091,668, plus strand): 5'-GCAGTCAAGTCTTCCAATTCACTGCACTGTGAAGAAAACAAGCTAGCAGAACATTTTGTT[TC>T]CTCACTAAGGTGATGTTCCTGAGATGCCTTTGCCAATATTACCTGGTTACTGCAGTCATT-3'

ClinVar aggregate classification (germline): Pathogenic. Review status: reviewed by expert panel (3 of 4 stars). 2 submissions from 2 submitters: Pathogenic (1). 1 of the submissions does not count toward it. Last evaluated 2016-09-08.

Conditions:
Breast-ovarian cancer, familial, susceptibility to, 1 (BROVCA1). Also called: BRCA1 Hereditary Breast and Ovarian Cancer; OVARIAN CANCER, SUSCEPTIBILITY TO. Identifiers: Orphanet 145, MedGen C2676676, MONDO:0011450, OMIM 604370. Disease mechanism: loss of function.

Submissions (2):

Evidence-based Network for the Interpretation of Germline Mutant Alleles (ENIGMA)
Classification: Pathogenic for Breast-ovarian cancer, familial, susceptibility to, 1. Last evaluated: 2016-09-08. Review status: reviewed by expert panel. Criteria: ENIGMA BRCA1/2 Classification Criteria (2015). Collection method: curation. Allele origin: germline.
Comment: Variant allele predicted to encode a truncated non-functional protein.

Breast Cancer Information Core (BIC) (BRCA1)
Classification: Pathogenic for Breast-ovarian cancer, familial 1. Last evaluated: 2007-02-23. Review status: no assertion criteria provided. Collection method: clinical testing. Allele origin: somatic. Affected: yes. Observed: 1 variant allele. Not counted in ClinVar's aggregate classification.

Literature cited by the submitters: PubMed 15712267 (cited by Breast Cancer Information Core (BIC) (BRCA1)).